The following is an entry in ClinVar:

NM_001127511.3(APC):c.-104A>T

Gene: APC (APC regulator of Wnt signaling pathway; plus strand). Cytogenetic location: 5q22.2.
Variant type: single nucleotide variant.
Coding change: c.-104A>T on transcript NM_001127511.3; 104 bases upstream of the start codon, A replaced by T.
Molecular consequence: 5 prime UTR variant. On other transcripts: non-coding transcript variant (2).
Genome position (GRCh38, 1-based): chr5:112,707,614, A>T. VCF-style: chr5-112707614-A-T. GRCh37 (hg19) VCF-style: chr5-112043311-A-T.
Other names: c.-287A>T (NM_001407456.1, NM_001407460.1, NM_001407469.1 and 3 more transcripts); c.-54A>T (NM_001407457.1, NM_001407458.1, NM_001407448.1 and 1 more transcripts); c.-1322A>T (NM_001407470.1, NM_001407472.1); c.-104A>T (NM_001354897.2, NM_001354902.2, NM_001407446.1); c.-78A>T (NM_001407453.1).
Identifiers: ClinVar variation 1018911 (VCV001018911.7), dbSNP rs909684637, ClinGen allele CA124925038.
Genomic context (GRCh38, chr5:112,707,614, plus strand): 5'-GGGTGTGGCCGCCGGAAGCCTAGCCGCTGCTCGGGGGGGACCTGCGGGCTCAGGCCCGGG[A>T]GCTGCGGACCGAGGTTGGCTCGATGCTGTTCCCAGGTACTGTTGTTGGCTGTTGGTGAGG-3'

ClinVar aggregate classification (germline): Uncertain significance (1 of 4 stars; one submission).

Conditions:
Familial adenomatous polyposis 1 (FAP1). Also called: FAMILIAL ADENOMATOUS POLYPOSIS 1, ATTENUATED; POLYPOSIS, ADENOMATOUS INTESTINAL. Identifiers: MedGen C2713442, MONDO:0021056, OMIM 175100. Disease mechanism: loss of function.

Allele frequency attached by ClinVar (database versions not stated): gnomAD 0.00002; TOPMed 0.00004.
gnomAD v4.1: 3 of 1,231,864 alleles (0.00024%); highest among the groups gnomAD compares: African/African-American, 0.003%; no homozygotes.

Submission:

Labcorp Genetics (formerly Invitae), Labcorp
Classification: Uncertain significance for Familial adenomatous polyposis 1. Last evaluated: 2026-01-21. Review status: criteria provided, single submitter. Criteria: Invitae Variant Classification Sherloc (09022015). Collection method: clinical testing. Allele origin: germline.
Comment: This variant occurs in a non-coding region of the APC gene. It does not change the encoded amino acid sequence of the APC protein. This variant is not present in population databases (gnomAD no frequency). This variant has not been reported in the literature in individuals affected with APC-related conditions. Experimental studies and prediction algorithms are not available or were not evaluated, and the functional significance of this variant is currently unknown. In summary, the available evidence is currently insufficient to determine the role of this variant in disease. Therefore, it has been classified as a Variant of Uncertain Significance.